The following is an entry in ClinVar:

ClinVar aggregate classification (germline): Likely pathogenic (1 of 4 stars; one submission).

Conditions:
Wolfram syndrome 1 (WFS1). Identifiers: Orphanet 3463, MedGen C4551693, MONDO:0009101, OMIM 222300.

Submission:

Laboratory of Prof. Karen Avraham, Tel Aviv University
Classification: Likely pathogenic for Wolfram syndrome 1. Last evaluated: 2024-08-20. Review status: criteria provided, single submitter. Criteria: ACMG Guidelines, 2015. Collection method: research. Allele origin: germline. Affected: yes. Observed: 1 variant allele.
Comment: The p.(Arg756Gly) variant is very rare and predicted deleterious by most prediction programs.

NM_006005.3(WFS1):c.2266C>G (p.Arg756Gly)

Gene: WFS1 (wolframin ER transmembrane glycoprotein; plus strand). Cytogenetic location: 4p16.1.
Variant type: single nucleotide variant.
Coding change: c.2266C>G on transcript NM_006005.3 (MANE Select); coding-DNA position 2266, C replaced by G.
Protein change: p.Arg756Gly; replaces arginine 756 with glycine.
Molecular consequence: missense variant.
Genome position (GRCh38, 1-based): chr4:6,302,061, C>G. VCF-style: chr4-6302061-C-G. GRCh37 (hg19) VCF-style: chr4-6303788-C-G.
Other names: c.2266C>G, p.Arg756Gly (NM_001145853.1); short protein forms R756G.
Identifiers: ClinVar variation 3338037 (VCV003338037.1).
Genomic context (GRCh38, chr4:6,302,061, plus strand): 5'-GGCGAGGCCTACCCTGCCTGCAGCCCTGGCAACACCTCCACGGCCGAGGAGGAGCTCTGT[C>G]GCCTTAAGCTGCTGGCCAAGCACCCCTGCCACATCAAGAAGTTCGACCGCTACAAGTTTG-3'
Protein context (NP_005996.2, residues 746-766): NTSTAEEELC[Arg756Gly]LKLLAKHPCH